The following is an entry in ClinVar:

ClinVar aggregate classification (germline): Uncertain significance (1 of 4 stars; one submission).

Conditions:
Multiple endocrine neoplasia, type 2 (MEN2). Identifiers: Orphanet 653, MedGen C4048306, MONDO:0019003. Disease mechanism: gain of function.

Submission:

Labcorp Genetics (formerly Invitae), Labcorp
Classification: Uncertain significance for Multiple endocrine neoplasia, type 2. Last evaluated: 2024-04-15. Review status: criteria provided, single submitter. Criteria: Invitae Variant Classification Sherloc (09022015). Collection method: clinical testing. Allele origin: germline.
Comment: This sequence change replaces methionine, which is neutral and non-polar, with leucine, which is neutral and non-polar, at codon 700 of the RET protein (p.Met700Leu). This variant is not present in population databases (gnomAD no frequency). This missense change has been observed in individual(s) with multiple endocrine neoplasia type 2 (PMID: 23140918). ClinVar contains an entry for this variant (Variation ID: 2006375). An algorithm developed to predict the effect of missense changes on protein structure and function (PolyPhen-2) suggests that this variant is likely to be tolerated. In summary, the available evidence is currently insufficient to determine the role of this variant in disease. Therefore, it has been classified as a Variant of Uncertain Significance.

Literature cited by the submitters: PubMed 23140918.

NM_020975.6(RET):c.2098A>T (p.Met700Leu)

Gene: RET (ret proto-oncogene; plus strand). Cytogenetic location: 10q11.21.
Variant type: single nucleotide variant.
Coding change: c.2098A>T on transcript NM_020975.6 (MANE Select); coding-DNA position 2098, A replaced by T.
Protein change: p.Met700Leu; replaces methionine 700 with leucine.
Molecular consequence: missense variant.
Genome position (GRCh38, 1-based): chr10:43,114,698, A>T. VCF-style: chr10-43114698-A-T. GRCh37 (hg19) VCF-style: chr10-43610146-A-T.
Other names: c.2098A>T, p.Met700Leu (NM_000323.2, NM_001406743.1, NM_001406744.1 and 4 more transcripts); c.1336A>T, p.Met446Leu (NM_001355216.2); c.1969A>T, p.Met657Leu (NM_001406761.1, NM_001406762.1, NM_001406764.1); c.1963A>T, p.Met655Leu (NM_001406763.1, NM_001406765.1); c.1810A>T, p.Met604Leu (NM_001406766.1, NM_001406767.1, NM_001406770.1); c.1834A>T, p.Met612Leu (NM_001406768.1); c.1201A>T, p.Met401Leu (NM_001406779.1, NM_001406780.1, NM_001406781.1 and 1 more transcripts); c.1072A>T, p.Met358Leu (NM_001406783.1, NM_001406786.1); and 10 more; short protein forms M700L, M446L, M217L, M305L, M401L, M554L, M657L, M356L.
Identifiers: ClinVar variation 2006375 (VCV002006375.4), dbSNP rs377767441, ClinGen allele CA008585.
Genomic context (GRCh38, chr10:43,114,698, plus strand): 5'-GCCCAGGCCTTCCCGGTCAGCTACTCCTCTTCCGGTGCCCGCCGGCCCTCGCTGGACTCC[A>T]TGGAGAACCAGGTCTCCGTGGATGCCTTCAAGATCCTGGTGAGGGTCCCTGCGGGGCAGG-3'
Protein context (NP_066124.1, residues 690-710): SGARRPSLDS[Met700Leu]ENQVSVDAFK